The following is an entry in ClinVar:

ClinVar aggregate classification (germline): Likely benign. Review status: criteria provided, single submitter (1 of 4 stars). 2 submissions from 2 submitters: Likely benign (1). 1 of the submissions does not count toward it. Last evaluated 2018-01-11.

Conditions:
GRIA1-related disorder. Also called: GRIA1-related condition.

Allele frequency attached by ClinVar (database versions not stated): ExAC 0.00003; gnomAD 0.00003; TOPMed 0.00003; gnomAD exomes 0.00004 and 0.00006.
gnomAD v4.1: 88 of 1,610,180 alleles (0.0055%); highest among the groups gnomAD compares: Middle Eastern, 0.049%; no homozygotes.

Submissions (2):

Labcorp Genetics (formerly Invitae), Labcorp
Classification: Likely benign. Last evaluated: 2018-01-11. Review status: criteria provided, single submitter. Criteria: Invitae Variant Classification Sherloc (09022015). Collection method: clinical testing. Allele origin: germline.

PreventionGenetics, part of Exact Sciences
Classification: Likely benign for GRIA1-related condition. Last evaluated: 2019-07-10. Review status: no assertion criteria provided. Collection method: clinical testing. Allele origin: germline. Not counted in ClinVar's aggregate classification.
Comment: This variant is classified as likely benign based on ACMG/AMP sequence variant interpretation guidelines (Richards et al. 2015 PMID: 25741868, with internal and published modifications).

NM_000827.4(GRIA1):c.2385+828A>G

Gene: GRIA1 (glutamate ionotropic receptor AMPA type subunit 1; plus strand). Cytogenetic location: 5q33.2.
Variant type: single nucleotide variant.
Coding change: c.2385+828A>G on transcript NM_000827.4 (MANE Select); 828 bases into the intron after coding-DNA position 2385, A replaced by G.
Molecular consequence: intron variant. On other transcripts: synonymous variant (5), non-coding transcript variant (1).
Genome position (GRCh38, 1-based): chr5:153,795,563, A>G. VCF-style: chr5-153795563-A-G. GRCh37 (hg19) VCF-style: chr5-153175123-A-G.
Other names: c.2358A>G, p.Glu786= (NM_001114183.2); c.2073A>G, p.Glu691= (NM_001258020.2); c.2388A>G, p.Glu796= (NM_001258022.2); c.2385A>G, p.Glu795= (NM_001364166.2); c.2151A>G, p.Glu717= (NM_001364167.2); c.2217+828A>G (NM_001364165.2); c.2145+828A>G (NM_001258019.2); c.2178+828A>G (NM_001258023.1); and 1 more.
Identifiers: ClinVar variation 732407 (VCV000732407.5), dbSNP rs769812181, ClinGen allele CA3524814.